The following is an entry in ClinVar:

ClinVar aggregate classification (germline): Likely benign (0 of 4 stars; one submission).

Conditions:
AP4B1-related disorder. Also called: AP4B1-related condition.

Allele frequency attached by ClinVar (database versions not stated): gnomAD 0.00001; ExAC 0.00002; gnomAD exomes 0.00002; TOPMed 0.00002.

Submission:

PreventionGenetics, part of Exact Sciences
Classification: Likely benign for AP4B1-related condition. Last evaluated: 2019-06-11. Review status: no assertion criteria provided. Collection method: clinical testing. Allele origin: germline.
Comment: This variant is classified as likely benign based on ACMG/AMP sequence variant interpretation guidelines (Richards et al. 2015 PMID: 25741868, with internal and published modifications).

NM_001253852.3(AP4B1):c.1683C>T (p.Asn561=)

Genes: AP4B1 (adaptor related protein complex 4 subunit beta 1; minus strand), AP4B1-AS1 (AP4B1 antisense RNA 1; plus strand). Cytogenetic location: 1p13.2.
Variant type: single nucleotide variant.
Coding change: c.1683C>T on transcript NM_001253852.3 (MANE Select); coding-DNA position 1683, C replaced by T.
Protein change: p.Asn561=; no amino-acid change (asparagine 561 retained).
Molecular consequence: synonymous variant.
Genome position (GRCh38, 1-based): chr1:113,895,866, G>A on the plus strand (C>T on the coding strand, the complement: AP4B1 is on the minus strand). VCF-style: chr1-113895866-G-A. GRCh37 (hg19) VCF-style: chr1-114438488-G-A.
Other names: c.1386C>T, p.Asn462= (NM_001253853.3); c.1179C>T, p.Asn393= (NM_001308312.2); c.1683C>T, p.Asn561= (NM_006594.5).
Identifiers: ClinVar variation 3034322 (VCV003034322.2), dbSNP rs751240646, ClinGen allele CA1015738.